The following is an entry in ClinVar:

NM_001349338.3(FOXP1):c.1675A>G (p.Met559Val)

Gene: FOXP1 (forkhead box P1; minus strand). Cytogenetic location: 3p13.
Variant type: single nucleotide variant.
Coding change: c.1675A>G on transcript NM_001349338.3 (MANE Select); coding-DNA position 1675, A replaced by G.
Protein change: p.Met559Val; replaces methionine 559 with valine.
Molecular consequence: missense variant. On other transcripts: non-coding transcript variant (2).
Genome position (GRCh38, 1-based): chr3:70,970,783, T>C on the plus strand (A>G on the coding strand, the complement: FOXP1 is on the minus strand). VCF-style: chr3-70970783-T-C. GRCh37 (hg19) VCF-style: chr3-71019934-T-C.
Other names: c.1675A>G, p.Met559Val (NM_001244816.2, NM_001349340.3, NM_032682.6 and 1 more transcripts); c.1372A>G, p.Met458Val (NM_001349337.2, NM_001349343.3, NM_001349344.3 and 1 more transcripts); c.1672A>G, p.Met558Val (NM_001349341.3, NM_001244808.3); c.1375A>G, p.Met459Val (NM_001349342.3, NM_001244813.3, NM_001244815.2); c.1723A>G, p.Met575Val (NM_001244810.2); c.1447A>G, p.Met483Val (NM_001244812.3); short protein forms M458V, M558V, M559V, M483V, M575V, M459V.
Identifiers: ClinVar variation 1391997 (VCV001391997.6), dbSNP rs764023352, ClinGen allele CA2490870.
Genomic context (GRCh38, chr3:70,970,783, plus strand): 5'-CCGTTAATCTTACCTGTAAAGCTGCATTGAGAGGTGTGCAGTAGGCGTGGCTGCTCTGCA[T>C]GTTTTTAATAAGGGAAGGGTTACTGTGTAAGAAAAACATAAAAACTCAAAGTTAAACACA-3'
Protein context (NP_001336267.1, residues 549-569): ISGNPSLIKN[Met559Val]QSSHAYCTPL

ClinVar aggregate classification (germline): Uncertain significance (1 of 4 stars; one submission).

Allele frequency attached by ClinVar (database versions not stated): TOPMed 0.00001; gnomAD exomes 0.00005; ExAC 0.00006.
gnomAD v4.1: 11 of 1,613,942 alleles (0.00068%); highest among the groups gnomAD compares: East Asian, 0.022%; no homozygotes.

Submission:

Labcorp Genetics (formerly Invitae), Labcorp
Classification: Uncertain significance. Last evaluated: 2024-10-19. Review status: criteria provided, single submitter. Criteria: Invitae Variant Classification Sherloc (09022015). Collection method: clinical testing. Allele origin: germline.
Comment: This sequence change replaces methionine, which is neutral and non-polar, with valine, which is neutral and non-polar, at codon 559 of the FOXP1 protein (p.Met559Val). This variant is present in population databases (rs764023352, gnomAD 0.06%). This variant has not been reported in the literature in individuals affected with FOXP1-related conditions. ClinVar contains an entry for this variant (Variation ID: 1391997). Invitae Evidence Modeling of protein sequence and biophysical properties (such as structural, functional, and spatial information, amino acid conservation, physicochemical variation, residue mobility, and thermodynamic stability) indicates that this missense variant is not expected to disrupt FOXP1 protein function with a negative predictive value of 80%. In summary, the available evidence is currently insufficient to determine the role of this variant in disease. Therefore, it has been classified as a Variant of Uncertain Significance.